The following is an entry in ClinVar:

GRCh37/hg19 21q22.2-22.3(chr21:42044877-48100155)x3

Genes: ABCG1 (ATP binding cassette subfamily G member 1; plus strand), ADARB1 (adenosine deaminase RNA specific B1; plus strand), AGPAT3 (1-acylglycerol-3-phosphate O-acyltransferase 3; plus strand), AIRE (autoimmune regulator; plus strand), BACE2 (beta-secretase 2; plus strand) and 81 more. Cytogenetic location: 21q22.2-22.3.
Variant type: copy number gain.
Change: copy number 3 (three copies instead of two) of chr21:42,044,877-48,100,155 (6.06 Mb, GRCh37 coordinates, 1-based), cytogenetic band 21q22.2-22.3.
Identifiers: ClinVar variation 816508 (VCV000816508.2).

ClinVar aggregate classification (germline): Pathogenic (1 of 4 stars; one submission).

Submission:

Clinical Genomics Laboratory, Laboratory for Precision Diagnostics, University of Washington
Classification: Pathogenic. Last evaluated: 2018-02-23. Review status: criteria provided, single submitter. Criteria: Clinical Cytogenomics Laboratory Policy on CNV Interpretation. Collection method: clinical testing. Allele origin: maternal. Affected: yes. Observed: 1 variant allele.